The following is an entry in ClinVar:

NM_001040616.3(LINS1):c.1668T>C (p.Ile556=)

Gene: LINS1 (lines homolog 1; minus strand). Cytogenetic location: 15q26.3.
Variant type: single nucleotide variant.
Coding change: c.1668T>C on transcript NM_001040616.3 (MANE Select); coding-DNA position 1668, T replaced by C.
Protein change: p.Ile556=; no amino-acid change (isoleucine 556 retained).
Molecular consequence: synonymous variant. On other transcripts: non-coding transcript variant (3).
Genome position (GRCh38, 1-based): chr15:100,569,844, A>G on the plus strand (T>C on the coding strand, the complement: LINS1 is on the minus strand). VCF-style: chr15-100569844-A-G. GRCh37 (hg19) VCF-style: chr15-101110049-A-G.
Other names: c.921T>C, p.Ile307= (NM_001352507.2); c.1515T>C, p.Ile505= (NM_001352508.2).
Identifiers: ClinVar variation 1799607 (VCV001799607.4), dbSNP rs749138744, ClinGen allele CA7759361.

ClinVar aggregate classification (germline): Likely benign. Review status: criteria provided, multiple submitters, no conflicts (2 of 4 stars). 2 submissions from 2 submitters: Likely benign (2). Last evaluated 2026-05-01.

Conditions:
Inborn genetic diseases. Identifiers: MedGen C0950123, MeSH D030342.

Allele frequency attached by ClinVar (database versions not stated): gnomAD 0.00001; TOPMed 0.00001; ExAC 0.00002; gnomAD exomes 0.00008.
gnomAD v4.1: 121 of 1,614,108 alleles (0.0075%); highest among the groups gnomAD compares: Non-Finnish European, 0.0099%; no homozygotes.

Submissions (2):

CeGaT Center for Human Genetics Tuebingen
Classification: Likely benign. Last evaluated: 2026-05-01. Review status: criteria provided, single submitter. Criteria: CeGaT Center For Human Genetics Tuebingen Variant Classification Criteria Version 2. Collection method: clinical testing. Allele origin: germline. Affected: yes. Observed: 1 variant allele.
Comment: LINS1: BP4, BP7

Ambry Genetics
Classification: Likely benign for Inborn genetic diseases. Last evaluated: 2019-06-06. Review status: criteria provided, single submitter. Criteria: Ambry Variant Classification Scheme 2023. Collection method: clinical testing. Allele origin: germline.